The following is an entry in ClinVar:

NM_007294.4(BRCA1):c.4211T>G (p.Leu1404Arg)

Gene: BRCA1 (BRCA1 DNA repair associated; minus strand). Cytogenetic location: 17q21.31.
Variant type: single nucleotide variant.
Coding change: c.4211T>G on transcript NM_007294.4 (MANE Select); coding-DNA position 4211, T replaced by G.
Protein change: p.Leu1404Arg; replaces leucine 1404 with arginine.
Molecular consequence: missense variant. On other transcripts: non-coding transcript variant (1).
Genome position (GRCh38, 1-based): chr17:43,082,550, A>C on the plus strand (T>G on the coding strand, the complement: BRCA1 is on the minus strand). VCF-style: chr17-43082550-A-C. GRCh37 (hg19) VCF-style: chr17-41234567-A-C.
Other names: NM_007294.4(BRCA1):c.4211T>G; p.Leu1404Arg; c.4067T>G, p.Leu1356Arg (NM_001407845.1, NM_001407846.1, NM_001407850.1 and 23 more transcripts); c.4064T>G, p.Leu1355Arg (NM_001407847.1, NM_001407848.1, NM_001407849.1); c.4001T>G, p.Leu1334Arg (NM_001407879.1, NM_001407881.1, NM_001407882.1 and 9 more transcripts); c.3998T>G, p.Leu1333Arg (NM_001407894.1, NM_001407908.1, NM_001407909.1 and 12 more transcripts); c.3995T>G, p.Leu1332Arg (NM_001407915.1); c.4088T>G, p.Leu1363Arg (NM_001407919.1, NM_001407937.1, NM_001407938.1 and 13 more transcripts); and 53 more; short protein forms L1404R, L1357R, L301R, L1276R, L1315R, L1336R, L1361R, L1377R.
Identifiers: ClinVar variation 491071 (VCV000491071.22), dbSNP rs80356916, ClinGen allele CA059655.
Genomic context (GRCh38, chr17:43,082,550, plus strand): 5'-TGGCTCCCATGCTGTTCTAACACAGCTTCTAGTTCAGCCATTTCCTGCTGGAGCTTTATC[A>C]GGTTATGTTGCATGGTATCCCTCTGCTTCAAAAACGATAAATGGCACCAAGAAAATGAAA-3'
Protein context (NP_009225.1, residues 1394-1414): TQQRDTMQHN[Leu1404Arg]IKLQQEMAEL

ClinVar aggregate classification (germline): Uncertain significance. Review status: reviewed by expert panel (3 of 4 stars). 9 submissions from 9 submitters: Uncertain significance (1). 8 of the submissions do not count toward it. Last evaluated 2025-12-02.

Conditions:
Ovarian cancer. Also called: OVARIAN CANCER, SOMATIC. Identifiers: Orphanet 213500, MedGen C1140680, MONDO:0008170, OMIM 167000.
Hereditary breast ovarian cancer syndrome. Also called: Breast and ovarian cancer; Hereditary breast and/or ovarian cancer syndrome; BRCA1- and BRCA2-Associated Hereditary Breast and Ovarian Cancer; Hereditary breast and ovarian cancer syndrome; Hereditary breast and ovarian cancer syndrome (HBOC); Hereditary breast and ovarian cancer. Identifiers: Orphanet 145, MedGen C0677776, MeSH D061325, MONDO:0003582. Disease mechanism: loss of function.
Familial cancer of breast. Also called: BREAST CANCER, FAMILIAL; Hereditary breast cancer; hereditary breast carcinoma. Identifiers: Orphanet 227535, MedGen C0346153, MONDO:0016419, OMIM 114480. Disease mechanism: loss of function.
Breast-ovarian cancer, familial, susceptibility to, 1 (BROVCA1). Also called: BRCA1 Hereditary Breast and Ovarian Cancer; OVARIAN CANCER, SUSCEPTIBILITY TO. Identifiers: Orphanet 145, MedGen C2676676, MONDO:0011450, OMIM 604370. Disease mechanism: loss of function.
Fanconi anemia, complementation group S (FANCS). Identifiers: MedGen C4554406, MONDO:0054748, OMIM 617883.
BRCA1-related cancer predisposition. Identifiers: MedGen CN377757, MONDO:0700268.
Hereditary cancer-predisposing syndrome. Also called: Tumor predisposition; Hereditary Cancer Syndrome; Hereditary neoplastic syndrome; Neoplastic Syndromes, Hereditary. Identifiers: Orphanet 140162, MedGen C0027672, MeSH D009386, MONDO:0015356.

Allele frequency attached by ClinVar (database versions not stated): gnomAD exomes below 0.00001; ExAC 0.00001.

Submissions (9):

ClinGen ENIGMA BRCA1 and BRCA2 Variant Curation Expert Panel, ClinGen
Classification: Uncertain significance for BRCA1-related cancer predisposition. Last evaluated: 2025-12-02. Review status: reviewed by expert panel. Criteria: CSpec BRCA12ACMG Rules Specifications V1.1. Collection method: curation. Allele origin: germline. Inheritance: Autosomal dominant inheritance.
Comment: The c.4211T>G variant in BRCA1 is a missense variant predicted to cause substitution of Leucine by Arginine at amino acid 1404 (p.(Leu1404Arg)). This variant is absent from gnomAD v4.1 (read depth ≥25) (PM2_Supporting met). This BRCA1 missense variant is within a key functional domain and the computational predictor BayesDel (noAF) gives a score of 0.09, which is below the recommended threshold of 0.15 for predicting no impact on BRCA1 via protein change. A SpliceAI score of 0.02 predicts no impact on splicing (score threshold ≤0.1) (BP4 met). Cosegregation analysis of one family carrying this variant provided evidence towards pathogenicity, and has a Bayes Score of 3.9 (applied as LR), within the thresholds for supporting pathogenic evidence (LR ≥2.08 & <4.3) (PP1 met; Internal lab contributor). In summary, this variant meets the criteria to be classified as a Variant of uncertain significance for BRCA1-related cancer predisposition based on the ACMG/AMP criteria applied as specified by the ENIGMA BRCA1/2 VCEP (BP4, PM2_Supporting, PP1).

Ambry Genetics
Classification: Uncertain significance for Hereditary cancer-predisposing syndrome. Last evaluated: 2025-09-28. Review status: criteria provided, single submitter. Criteria: Ambry Variant Classification Scheme 2023. Collection method: clinical testing. Allele origin: germline. Not counted in ClinVar's aggregate classification.
Comment: The p.L1404R variant (also known as c.4211T>G), located in coding exon 11 of the BRCA1 gene, results from a T to G substitution at nucleotide position 4211. The leucine at codon 1404 is replaced by arginine, an amino acid with dissimilar properties. A functional host cell end joining assay demonstrated that this alteration results in diminished double strand break repair activity, similar to mutant controls (Coupier I et al. Oncogene, 2004 Jan;23:914-9). This variant was also identified in a cohort of 826 unselected Chinese ovarian cancer patients (Wu X et al. Int J Gynecol Cancer, 2017 Oct;27:1650-1657). This amino acid position is highly conserved in available vertebrate species. In addition, the in silico prediction for this alteration is inconclusive. Since supporting evidence is limited at this time, the clinical significance of this alteration remains unclear.

Labcorp Genetics (formerly Invitae), Labcorp
Classification: Uncertain significance for Hereditary breast ovarian cancer syndrome. Last evaluated: 2025-08-25. Review status: criteria provided, single submitter. Criteria: Invitae Variant Classification Sherloc (09022015). Collection method: clinical testing. Allele origin: germline. Not counted in ClinVar's aggregate classification.
Comment: This sequence change replaces leucine, which is neutral and non-polar, with arginine, which is basic and polar, at codon 1404 of the BRCA1 protein (p.Leu1404Arg). This variant is present in population databases (rs80356916, gnomAD 0.006%). This missense change has been observed in individual(s) with personal and family histories of breast and/or ovarian cancer (PMID: 9150149, 28692638, 35918668). ClinVar contains an entry for this variant (Variation ID: 491071). Invitae Evidence Modeling of protein sequence and biophysical properties (such as structural, functional, and spatial information, amino acid conservation, physicochemical variation, residue mobility, and thermodynamic stability) indicates that this missense variant is expected to disrupt BRCA1 protein function with a positive predictive value of 80%. Experimental studies have shown that this missense change affects BRCA1 function (PMID: 14647443). In summary, the available evidence is currently insufficient to determine the role of this variant in disease. Therefore, it has been classified as a Variant of Uncertain Significance.

Department of Pathology and Laboratory Medicine, Sinai Health System
Classification: Uncertain significance for Familial cancer of breast; Breast-ovarian cancer, familial, susceptibility to, 1; Fanconi anemia, complementation group S. Last evaluated: 2023-06-21. Review status: criteria provided, single submitter. Criteria: ACMG Guidelines, 2015. Collection method: clinical testing. Allele origin: germline. Affected: yes. Not counted in ClinVar's aggregate classification.

Laboratory of Molecular Epidemiology of Birth Defects, West China Second University Hospital, Sichuan University
Classification: Likely pathogenic for Ovarian cancer. Last evaluated: 2022-01-01. Review status: criteria provided, single submitter. Criteria: ACMG Guidelines, 2015. Collection method: clinical testing. Allele origin: germline. Affected: yes. Not counted in ClinVar's aggregate classification.

Quest Diagnostics Nichols Institute San Juan Capistrano
Classification: Uncertain significance. Last evaluated: 2021-01-05. Review status: criteria provided, single submitter. Criteria: Quest Diagnostics criteria. Collection method: clinical testing. Allele origin: unknown. Not counted in ClinVar's aggregate classification.

Women's Health and Genetics/Laboratory Corporation of America, LabCorp
Classification: Uncertain significance. Last evaluated: 2020-07-27. Review status: criteria provided, single submitter. Criteria: LabCorp Variant Classification Summary - May 2015. Collection method: clinical testing. Allele origin: germline. Not counted in ClinVar's aggregate classification.
Comment: Variant summary: BRCA1 c.4211T>G (p.Leu1404Arg) results in a non-conservative amino acid change in the encoded protein sequence. Three of five in-silico tools predict a damaging effect of the variant on protein function. The variant allele was found at a frequency of 4e-06 in 251348 control chromosomes. The available data on variant occurrences in the general population are insufficient to allow any conclusion about variant significance. c.4211T>G has been reported in the literature in individuals affected with Hereditary Breast And Ovarian Cancer Syndrome (e.g. Stoppa-Lyonnet_1997, Coupier_2004, Hasmad_2016, Bhaskaran_2019). These reports do not provide unequivocal conclusions about association of the variant with Hereditary Breast And Ovarian Cancer Syndrome. At least one publication reports experimental evidence that a patient-derived lymphoblastoid cell line with the variant had a reduced capacity for DSB-repair, however it was not proven that the variant was responsible for this phenotype (e.g. Coupier_2004). One clinical diagnostic laboratory has submitted clinical-significance assessments for this variant to ClinVar after 2014 without evidence for independent evaluation and cited the variant as uncertain significance. Based on the evidence outlined above, the variant was classified as uncertain significance.

Color Diagnostics, LLC DBA Color Health
Classification: Uncertain significance for Hereditary cancer-predisposing syndrome. Last evaluated: 2019-03-15. Review status: criteria provided, single submitter. Criteria: ACMG Guidelines, 2015. Collection method: clinical testing. Allele origin: germline. Not counted in ClinVar's aggregate classification.

Center for Precision Medicine, Meizhou People's Hospital
Classification: Uncertain significance for Familial cancer of breast. Review status: no assertion criteria provided. Collection method: literature only. Allele origin: germline. Affected: yes. Not counted in ClinVar's aggregate classification.

Literature cited by the submitters: PubMed 14647443 (cited by 5 submitters); PubMed 28692638 (cited by 3 submitters); PubMed 9150149 (cited by 3 submitters); PubMed 35918668 (cited by Labcorp Genetics (formerly Invitae), Labcorp); PubMed 10644434 (cited by Quest Diagnostics Nichols Institute San Juan Capistrano and Women's Health and Genetics/Laboratory Corporation of America, LabCorp); PubMed 30702160 (cited by 3 submitters); PubMed 26541979 (cited by Women's Health and Genetics/Laboratory Corporation of America, LabCorp and Center for Precision Medicine, Meizhou People's Hospital).